The following is an entry in ClinVar:

ClinVar aggregate classification (germline): Pathogenic (1 of 4 stars; one submission).

Submission:

Labcorp Genetics (formerly Invitae), Labcorp
Classification: Pathogenic. Last evaluated: 2019-10-29. Review status: criteria provided, single submitter. Criteria: Invitae Variant Classification Sherloc (09022015). Collection method: clinical testing. Allele origin: germline.
Comment: For these reasons, this variant has been classified as Pathogenic. Loss-of-function variants in MSH3 are known to be pathogenic (PMID: 27476653). This variant has not been reported in the literature in individuals with MSH3-related conditions. This variant is not present in population databases (ExAC no frequency). This sequence change creates a premature translational stop signal (p.Ser327Profs*25) in the MSH3 gene. It is expected to result in an absent or disrupted protein product.

Literature cited by the submitters: PubMed 27476653.

NM_002439.5(MSH3):c.978_979del (p.Ser327fs)

Genes: MSH3 (mutS homolog 3; plus strand), LOC126807437 (MED14-independent group 3 enhancer GRCh37_chr5:79968379-79969578; plus strand). Cytogenetic location: 5q14.1.
Variant type: Deletion.
Coding change: c.978_979del on transcript NM_002439.5 (MANE Select); coding-DNA positions 978 to 979, 2 bases deleted (TT; older notation c.978_979delTT).
Protein change: p.Ser327fs; shifts the reading frame from serine 327.
Molecular consequence: frameshift variant.
Genome position (GRCh38, 1-based): chr5:80,672,809-80,672,810, TT deleted; deleting any 2 consecutive bases within chr5:80,672,807-80,672,810 gives the same sequence; the c. name uses the placement nearest the transcript's 3' end. VCF-style (leftmost placement, unchanged base first): chr5-80672806-CTT-C. GRCh37 (hg19) VCF-style: chr5-79968625-CTT-C.
Other names: short protein forms S327fs.
Identifiers: ClinVar variation 971766 (VCV000971766.8), dbSNP rs1749753402, ClinGen allele CA1139658927.